The following is an entry in ClinVar:

NM_001085487.3(MYSM1):c.845A>G (p.Asn282Ser)

Gene: MYSM1 (Myb like, SWIRM and MPN domains 1; minus strand). Cytogenetic location: 1p32.1.
Variant type: single nucleotide variant.
Coding change: c.845A>G on transcript NM_001085487.3 (MANE Select); coding-DNA position 845, A replaced by G.
Protein change: p.Asn282Ser; replaces asparagine 282 with serine.
Molecular consequence: missense variant.
Genome position (GRCh38, 1-based): chr1:58,682,199, T>C on the plus strand (A>G on the coding strand, the complement: MYSM1 is on the minus strand). VCF-style: chr1-58682199-T-C. GRCh37 (hg19) VCF-style: chr1-59147871-T-C.
Other names: short protein forms N282S.
Identifiers: ClinVar variation 2958397 (VCV002958397.3), dbSNP rs2524283797, ClinGen allele CA340527558.

ClinVar aggregate classification (germline): Uncertain significance (1 of 4 stars; one submission).

Allele frequency attached by ClinVar (database versions not stated): gnomAD exomes below 0.00001.
gnomAD v4.1: 3 of 1,613,010 alleles (0.00019%); highest among the groups gnomAD compares: Non-Finnish European, 0.00025%; no homozygotes.

Submission:

Labcorp Genetics (formerly Invitae), Labcorp
Classification: Uncertain significance. Last evaluated: 2023-04-19. Review status: criteria provided, single submitter. Criteria: Invitae Variant Classification Sherloc (09022015). Collection method: clinical testing. Allele origin: germline.
Comment: In summary, the available evidence is currently insufficient to determine the role of this variant in disease. Therefore, it has been classified as a Variant of Uncertain Significance. Advanced modeling of protein sequence and biophysical properties (such as structural, functional, and spatial information, amino acid conservation, physicochemical variation, residue mobility, and thermodynamic stability) performed at Invitae indicates that this missense variant is not expected to disrupt MYSM1 protein function. This variant has not been reported in the literature in individuals affected with MYSM1-related conditions. This variant is not present in population databases (gnomAD no frequency). This sequence change replaces asparagine, which is neutral and polar, with serine, which is neutral and polar, at codon 282 of the MYSM1 protein (p.Asn282Ser).